The following is an entry in ClinVar:

NM_002740.6(PRKCI):c.223+3G>A

Gene: PRKCI (protein kinase C iota; plus strand). Cytogenetic location: 3q26.2.
Variant type: single nucleotide variant.
Coding change: c.223+3G>A on transcript NM_002740.6 (MANE Select); 3 bases into the intron after coding-DNA position 223, G replaced by A.
Molecular consequence: intron variant.
Genome position (GRCh38, 1-based): chr3:170,235,354, G>A. VCF-style: chr3-170235354-G-A. GRCh37 (hg19) VCF-style: chr3-169953142-G-A.
Identifiers: ClinVar variation 3045200 (VCV003045200.2), dbSNP rs200321008, ClinGen allele CA2700359.

ClinVar aggregate classification (germline): Likely benign (0 of 4 stars; one submission).

Conditions:
PRKCI-related disorder. Also called: PRKCI-related condition.

Allele frequency attached by ClinVar (database versions not stated): ESP Exome Variant Server 0.00008; ExAC 0.00040; 1000 Genomes Project 30x 0.00062; 1000 Genomes Project 0.00080.
gnomAD v4.1: 148 of 1,613,868 alleles (0.0092%); highest among the groups gnomAD compares: East Asian, 0.24%; no homozygotes.

Submission:

PreventionGenetics, part of Exact Sciences
Classification: Likely benign for PRKCI-related condition. Last evaluated: 2020-10-21. Review status: no assertion criteria provided. Collection method: clinical testing. Allele origin: germline.
Comment: This variant is classified as likely benign based on ACMG/AMP sequence variant interpretation guidelines (Richards et al. 2015 PMID: 25741868, with internal and published modifications).